The following is an entry in ClinVar:

ClinVar aggregate classification (germline): Uncertain significance (1 of 4 stars; one submission).

gnomAD v4.1: 7 of 1,613,120 alleles (0.00043%); no homozygotes.

Submission:

CeGaT Center for Human Genetics Tuebingen
Classification: Uncertain significance. Last evaluated: 2025-05-01. Review status: criteria provided, single submitter. Criteria: CeGaT Center For Human Genetics Tuebingen Variant Classification Criteria Version 2. Collection method: clinical testing. Allele origin: germline. Affected: yes. Observed: 1 variant allele.
Comment: TTN: PM2, BP4

NM_001267550.2(TTN):c.20450G>T (p.Ser6817Ile)

Gene: TTN (titin; minus strand). Cytogenetic location: 2q31.2.
Variant type: single nucleotide variant.
Coding change: c.20450G>T on transcript NM_001267550.2 (MANE Select); coding-DNA position 20450, G replaced by T.
Protein change: p.Ser6817Ile; replaces serine 6817 with isoleucine.
Molecular consequence: missense variant. On other transcripts: intron variant (3).
Genome position (GRCh38, 1-based): chr2:178,725,872, C>A on the plus strand (G>T on the coding strand, the complement: TTN is on the minus strand). VCF-style: chr2-178725872-C-A. GRCh37 (hg19) VCF-style: chr2-179590599-C-A.
Other names: c.19499G>T, p.Ser6500Ile (NM_001256850.1); c.16718G>T, p.Ser5573Ile (NM_133378.4); c.13282+12210G>T (NM_003319.4); c.13858+12210G>T (NM_133437.4); c.13657+12210G>T (NM_133432.3); short protein forms S5573I, S6500I, S6817I.
Identifiers: ClinVar variation 3906023 (VCV003906023.10).